The following is an entry in ClinVar:

ClinVar aggregate classification (germline): Uncertain significance (1 of 4 stars; one submission).

Conditions:
Cardiomyopathy, familial restrictive, 3. Identifiers: Orphanet 75249, MedGen C2676271, MONDO:0012900, OMIM 612422.
Dilated cardiomyopathy 1D. Identifiers: Orphanet 154, Orphanet 54260, MedGen C1832243, MONDO:0011095, OMIM 601494.
Hypertrophic cardiomyopathy 2. Also called: TNNT2-Related Familial Hypertrophic Cardiomyopathy. Identifiers: MedGen C1861864, MONDO:0007266, OMIM 115195.

Submission:

Labcorp Genetics (formerly Invitae), Labcorp
Classification: Uncertain significance for Cardiomyopathy, familial restrictive, 3; Hypertrophic cardiomyopathy 2; Dilated cardiomyopathy 1D. Last evaluated: 2021-09-23. Review status: criteria provided, single submitter. Criteria: Invitae Variant Classification Sherloc (09022015). Collection method: clinical testing. Allele origin: germline.
Comment: This sequence change replaces glutamic acid with alanine at codon 61 of the TNNT2 protein (p.Glu61Ala). The glutamic acid residue is moderately conserved and there is a moderate physicochemical difference between glutamic acid and alanine. This variant is not present in population databases (ExAC no frequency). This variant has not been reported in the literature in individuals affected with TNNT2-related conditions. Algorithms developed to predict the effect of missense changes on protein structure and function are either unavailable or do not agree on the potential impact of this missense change (SIFT: "Deleterious"; PolyPhen-2: "Benign"; Align-GVGD: "Class C0"). In summary, the available evidence is currently insufficient to determine the role of this variant in disease. Therefore, it has been classified as a Variant of Uncertain Significance.

NM_001276345.2(TNNT2):c.212A>C (p.Glu71Ala)

Gene: TNNT2 (troponin T2, cardiac type; minus strand). Cytogenetic location: 1q32.1.
Variant type: single nucleotide variant.
Coding change: c.212A>C on transcript NM_001276345.2 (MANE Select); coding-DNA position 212, A replaced by C.
Protein change: p.Glu71Ala; replaces glutamic acid 71 with alanine.
Molecular consequence: missense variant.
Genome position (GRCh38, 1-based): chr1:201,366,859, T>G on the plus strand (A>C on the coding strand, the complement: TNNT2 is on the minus strand). VCF-style: chr1-201366859-T-G. GRCh37 (hg19) VCF-style: chr1-201335987-T-G.
Other names: c.212A>C, p.Glu71Ala (NM_000364.4); c.182A>C, p.Glu61Ala (NM_001001430.3, NM_001001431.3, NM_001276347.2); c.167A>C, p.Glu56Ala (NM_001001432.3); c.209A>C, p.Glu70Ala (NM_001276346.2); short protein forms E61A, E56A, E70A, E71A.
Identifiers: ClinVar variation 1476975 (VCV001476975.6), dbSNP rs2102274024, ClinGen allele CA344206798.